The following is an entry in ClinVar:

ClinVar aggregate classification (germline): Benign/Likely benign. Review status: criteria provided, multiple submitters, no conflicts (2 of 4 stars). 10 submissions from 10 submitters: Benign (4); Likely benign (4). 2 of the submissions do not count toward it. Last evaluated 2026-06-01.

Conditions:
Cardiovascular phenotype. Identifiers: MedGen CN230736.
Brugada syndrome 4 (BRGDA4). Identifiers: Orphanet 130, MedGen C2678477, MONDO:0012743, OMIM 611876.

Allele frequency attached by ClinVar (database versions not stated): 1000 Genomes Project 0.00280; 1000 Genomes Project 30x 0.00297; TOPMed 0.00593; ESP Exome Variant Server 0.00677.
gnomAD v4.1: 12,404 of 1,613,944 alleles (0.77%); highest among the groups gnomAD compares: Non-Finnish European, 0.94%; 59 homozygotes.

Submissions (10):

CeGaT Center for Human Genetics Tuebingen
Classification: Likely benign. Last evaluated: 2026-06-01. Review status: criteria provided, single submitter. Criteria: CeGaT Center For Human Genetics Tuebingen Variant Classification Criteria Version 2. Collection method: clinical testing. Allele origin: germline. Affected: yes. Observed: 6 variant alleles.
Comment: CACNB2-AS1: BS2; CACNB2: BP4, BP7, BS2

Labcorp Genetics (formerly Invitae), Labcorp
Classification: Benign for Brugada syndrome 4. Last evaluated: 2026-02-03. Review status: criteria provided, single submitter. Criteria: Invitae Variant Classification Sherloc (09022015). Collection method: clinical testing. Allele origin: germline.

Blueprint Genetics
Classification: Likely benign. Last evaluated: 2024-11-22. Review status: criteria provided, single submitter. Criteria: ACMG Guidelines, 2015. Collection method: clinical testing. Allele origin: germline.

ARUP Laboratories, Molecular Genetics and Genomics, ARUP Laboratories
Classification: Benign for Brugada syndrome 4. Last evaluated: 2021-10-05. Review status: criteria provided, single submitter. Criteria: ARUP Molecular Germline Variant Investigation Process 2021. Collection method: clinical testing. Allele origin: germline.

Mayo Clinic Laboratories, Mayo Clinic
Classification: Benign. Last evaluated: 2020-10-27. Review status: criteria provided, single submitter. Criteria: ACMG Guidelines, 2015. Collection method: clinical testing. Allele origin: germline. Observed: 19 variant alleles.

Ambry Genetics
Classification: Likely benign for Cardiovascular phenotype. Last evaluated: 2015-11-27. Review status: criteria provided, single submitter. Criteria: Ambry Variant Classification Scheme 2023. Collection method: clinical testing. Allele origin: germline.

GeneDx
Classification: Benign. Last evaluated: 2015-03-03. Review status: criteria provided, single submitter. Criteria: GeneDx Variant Classification Process June 2021. Collection method: clinical testing. Allele origin: germline. Affected: yes.

Breakthrough Genomics
Classification: Likely benign. Review status: criteria provided, single submitter. Criteria: ACMG Guidelines, 2015. Collection method: not provided. Allele origin: germline. Inheritance: Autosomal dominant inheritance. Affected: yes.

Clinical Genetics, Academic Medical Center
Classification: Benign. Review status: no assertion criteria provided. Collection method: clinical testing. Allele origin: germline. Affected: yes. Study: VKGL Data-share Consensus. Not counted in ClinVar's aggregate classification.

Joint Genome Diagnostic Labs from Nijmegen and Maastricht, Radboudumc and MUMC+
Classification: Benign. Review status: no assertion criteria provided. Collection method: clinical testing. Allele origin: germline. Affected: yes. Study: VKGL Data-share Consensus. Not counted in ClinVar's aggregate classification.

NM_201596.3(CACNB2):c.1521C>T (p.Ser507=)

Gene: CACNB2 (calcium voltage-gated channel auxiliary subunit beta 2; plus strand). Cytogenetic location: 10p12.31.
Variant type: single nucleotide variant.
Coding change: c.1521C>T on transcript NM_201596.3 (MANE Select); coding-DNA position 1521, C replaced by T.
Protein change: p.Ser507=; no amino-acid change (serine 507 retained).
Molecular consequence: synonymous variant.
Genome position (GRCh38, 1-based): chr10:18,539,262, C>T. VCF-style: chr10-18539262-C-T. GRCh37 (hg19) VCF-style: chr10-18828191-C-T.
Other names: p.Ser453=; c.1356C>T, p.Ser452= (NM_000724.4); c.1323C>T, p.Ser441= (NM_001167945.2); c.1242C>T, p.Ser414= (NM_001330060.2); c.1377C>T, p.Ser459= (NM_201570.3); c.1437C>T, p.Ser479= (NM_201571.4); c.1365C>T, p.Ser455= (NM_201572.4); c.1359C>T, p.Ser453= (NM_201590.3); and 2 more.
Identifiers: ClinVar variation 242261 (VCV000242261.56), dbSNP rs143060134, ClinGen allele CA5430084.
Genomic context (GRCh38, chr10:18,539,262, plus strand): 5'-ACGCCTGGTGTGCTCCTTTCGCTGCCAGGGTTCTCAAGGTGATCAGAGGACTGATCGCTC[C>T]GCTCCTATCCGTTCTGCTTCCCAAGCTGAAGAAGAACCTAGTGTGGAACCAGTCAAGAAA-3'
Protein context (NP_963890.2, residues 497-517): GSQGDQRTDR[Ser507=]APIRSASQAE